The following is an entry in ClinVar:

ClinVar aggregate classification (germline): Pathogenic. Review status: criteria provided, multiple submitters, no conflicts (2 of 4 stars). 2 submissions from 2 submitters: Pathogenic (2). Last evaluated 2026-04-28.

Conditions:
Hereditary cancer-predisposing syndrome. Also called: Hereditary Cancer Syndrome; Neoplastic Syndromes, Hereditary; Hereditary neoplastic syndrome; Tumor predisposition. Identifiers: Orphanet 140162, MedGen C0027672, MeSH D009386, MONDO:0015356.
Inherited breast cancer and ovarian cancer.

Submissions (2):

Genetics Laboratory, Great Ormond Street Hospital NHS Foundation Trust, North Thames Genomic Laboratory Hub
Classification: Pathogenic for Inherited breast cancer and ovarian cancer. Last evaluated: 2026-04-28. Review status: criteria provided, single submitter. Criteria: CanVIG PALB2 Gene Specific V1.2. Collection method: clinical testing. Allele origin: germline. Affected: yes.
Comment: PM2_supporting, PVS1_very-strong, PM5_supporting

Ambry Genetics
Classification: Pathogenic for Hereditary cancer-predisposing syndrome. Last evaluated: 2024-12-12. Review status: criteria provided, single submitter. Criteria: Ambry Variant Classification Scheme 2023. Collection method: clinical testing. Allele origin: germline.
Comment: The c.2303_2306delGTCT pathogenic mutation, located in coding exon 5 of the PALB2 gene, results from a deletion of 4 nucleotides at nucleotide positions 2303 to 2306, causing a translational frameshift with a predicted alternate stop codon (p.C768Lfs*82). This variant is considered to be rare based on population cohorts in the Genome Aggregation Database (gnomAD). This alteration is expected to result in loss of function by premature protein truncation or nonsense-mediated mRNA decay. As such, this alteration is interpreted as a disease-causing mutation.

NM_024675.4(PALB2):c.2303_2306del (p.Cys768fs)

Gene: PALB2 (partner and localizer of BRCA2; minus strand). Cytogenetic location: 16p12.2.
Variant type: Microsatellite.
Coding change: c.2303_2306del on transcript NM_024675.4 (MANE Select); coding-DNA positions 2303 to 2306, 4 bases deleted (GTCT; older notation c.2303_2306delGTCT).
Protein change: p.Cys768fs; shifts the reading frame from cysteine 768.
Molecular consequence: frameshift variant. On other transcripts: intron variant (1).
Genome position (GRCh38, 1-based): chr16:23,629,848-23,629,851, AGAC deleted on the plus strand (GTCT on the coding strand, the reverse complement: PALB2 is on the minus strand); deleting any 4 consecutive bases within chr16:23,629,848-23,629,855 gives the same sequence; the c. name uses the placement nearest the transcript's 3' end. VCF-style (leftmost placement, unchanged base first): chr16-23629847-AAGAC-A. GRCh37 (hg19) VCF-style: chr16-23641168-AAGAC-A.
Other names: c.1418_1421del, p.Cys473fs (NM_001407306.1, NM_001407307.1, NM_001407308.1 and 5 more transcripts); c.515_518del, p.Cys172fs (NM_001407312.1, NM_001407313.1); c.2299_2302GTCT[1], p.Cys768Leufs (NM_024675.3); c.49-576_49-573del (NM_001407314.1); c.2243_2246del, p.Cys748fs (NM_001407296.1); c.2303_2306del, p.Cys768fs (NM_001407297.1, NM_001407298.1, NM_001407299.1 and 3 more transcripts); c.2303_2306delGTCT (NM_024675.3); short protein forms C473fs, C172fs, C748fs, C768fs.
Identifiers: ClinVar variation 3885183 (VCV003885183.2).